The following is an entry in ClinVar:

NM_001220.5(CAMK2B):c.1645G>A (p.Val549Ile)

Gene: CAMK2B (calcium/calmodulin dependent protein kinase II beta; minus strand). Cytogenetic location: 7p13.
Variant type: single nucleotide variant.
Coding change: c.1645G>A on transcript NM_001220.5 (MANE Select); coding-DNA position 1645, G replaced by A.
Protein change: p.Val549Ile; replaces valine 549 with isoleucine.
Molecular consequence: missense variant.
Genome position (GRCh38, 1-based): chr7:44,220,854, C>T on the plus strand (G>A on the coding strand, the complement: CAMK2B is on the minus strand). VCF-style: chr7-44220854-C-T. GRCh37 (hg19) VCF-style: chr7-44260453-C-T.
Other names: c.1273G>A, p.Val425Ile (NM_001293170.2, NM_172078.3); c.1201G>A, p.Val401Ile (NM_172079.3, NM_172082.3); c.1198G>A, p.Val400Ile (NM_172080.3); c.1156G>A, p.Val386Ile (NM_172081.3); c.1084G>A, p.Val362Ile (NM_172083.3); c.994G>A, p.Val332Ile (NM_172084.3); c.1645G>A (NM_001220.4); short protein forms V362I, V549I, V386I, V400I, V425I, V332I, V401I.
Identifiers: ClinVar variation 1345486 (VCV001345486.14), dbSNP rs771606853, ClinGen allele CA4240172.

ClinVar aggregate classification (germline): Conflicting classifications of pathogenicity. Review status: criteria provided, conflicting classifications (1 of 4 stars). 4 submissions from 4 submitters: Uncertain significance (1); Likely benign (3). Last evaluated 2026-01-05.

Conditions:
Inborn genetic diseases. Identifiers: MedGen C0950123, MeSH D030342.

Allele frequency attached by ClinVar (database versions not stated): gnomAD exomes 0.00005 and 0.00008; gnomAD 0.00006 and 0.00007; TOPMed 0.00006; ExAC 0.00011.
gnomAD v4.1: 117 of 1,571,988 alleles (0.0074%); highest among the groups gnomAD compares: Non-Finnish European, 0.0093%; no homozygotes.

Submissions (4):

Labcorp Genetics (formerly Invitae), Labcorp
Classification: Uncertain significance. Last evaluated: 2026-01-05. Review status: criteria provided, single submitter. Criteria: Invitae Variant Classification Sherloc (09022015). Collection method: clinical testing. Allele origin: germline.
Comment: This sequence change replaces valine, which is neutral and non-polar, with isoleucine, which is neutral and non-polar, at codon 549 of the CAMK2B protein (p.Val549Ile). The frequency data for this variant in the population databases is considered unreliable, as metrics indicate poor data quality at this position in the gnomAD database. This variant has not been reported in the literature in individuals affected with CAMK2B-related conditions. ClinVar contains an entry for this variant (Variation ID: 1345486). An algorithm developed to predict the effect of missense changes on protein structure and function outputs the following: PolyPhen-2: "Benign". The isoleucine amino acid residue is found in multiple mammalian species, which suggests that this missense change does not adversely affect protein function. In summary, the available evidence is currently insufficient to determine the role of this variant in disease. Therefore, it has been classified as a Variant of Uncertain Significance.

CeGaT Center for Human Genetics Tuebingen
Classification: Likely benign. Last evaluated: 2025-10-01. Review status: criteria provided, single submitter. Criteria: CeGaT Center For Human Genetics Tuebingen Variant Classification Criteria Version 2. Collection method: clinical testing. Allele origin: germline. Affected: yes. Observed: 1 variant allele.
Comment: CAMK2B: BP4, BS1

Laboratory of Genetics, Children's Clinical University Hospital Latvia
Classification: Likely benign. Last evaluated: 2025-02-16. Review status: criteria provided, single submitter. Criteria: ACMG Guidelines, 2015. Collection method: clinical testing. Allele origin: germline. Affected: yes.

Ambry Genetics
Classification: Likely benign for Inborn genetic diseases. Last evaluated: 2021-12-02. Review status: criteria provided, single submitter. Criteria: Ambry Variant Classification Scheme 2023. Collection method: clinical testing. Allele origin: germline.